The following is an entry in ClinVar:

ClinVar aggregate classification (germline): Uncertain significance (1 of 4 stars; one submission).

Conditions:
EPILEPSY, CHILDHOOD ABSENCE, SUSCEPTIBILITY TO, 2 (ECA2). Identifiers: Orphanet 64280, MedGen C1843244, OMIM 607681.
Febrile seizures, familial, 8 (FEB8). Also called: CONVULSIONS, FAMILIAL FEBRILE, 8. Identifiers: Orphanet 36387, MedGen C1969810, MONDO:0011891, OMIM 607681.

Allele frequency attached by ClinVar (database versions not stated): gnomAD exomes below 0.00001.
gnomAD v4.1: 1 of 1,613,920 alleles (0.000062%); highest among the groups gnomAD compares: Non-Finnish European, 0.000085%; no homozygotes.

Submission:

Labcorp Genetics (formerly Invitae), Labcorp
Classification: Uncertain significance for Febrile seizures, familial, 8; EPILEPSY, CHILDHOOD ABSENCE, SUSCEPTIBILITY TO, 2. Last evaluated: 2024-02-16. Review status: criteria provided, single submitter. Criteria: Invitae Variant Classification Sherloc (09022015). Collection method: clinical testing. Allele origin: germline.
Comment: This sequence change replaces arginine, which is basic and polar, with cysteine, which is neutral and slightly polar, at codon 437 of the GABRG2 protein (p.Arg437Cys). This variant is not present in population databases (gnomAD no frequency). This variant has not been reported in the literature in individuals affected with GABRG2-related conditions. ClinVar contains an entry for this variant (Variation ID: 1376592). Advanced modeling of protein sequence and biophysical properties (such as structural, functional, and spatial information, amino acid conservation, physicochemical variation, residue mobility, and thermodynamic stability) performed at Invitae indicates that this missense variant is expected to disrupt GABRG2 protein function with a positive predictive value of 95%. In summary, the available evidence is currently insufficient to determine the role of this variant in disease. Therefore, it has been classified as a Variant of Uncertain Significance.

NM_198904.4(GABRG2):c.1333C>T (p.Arg445Cys)

Gene: GABRG2 (gamma-aminobutyric acid type A receptor subunit gamma2; plus strand). Cytogenetic location: 5q34.
Variant type: single nucleotide variant.
Coding change: c.1333C>T on transcript NM_198904.4 (MANE Select); coding-DNA position 1333, C replaced by T.
Protein change: p.Arg445Cys; replaces arginine 445 with cysteine.
Molecular consequence: missense variant. On other transcripts: 3 prime UTR variant (1).
Genome position (GRCh38, 1-based): chr5:162,153,273, C>T. VCF-style: chr5-162153273-C-T. GRCh37 (hg19) VCF-style: chr5-161580279-C-T.
Other names: c.1429C>T, p.Arg477Cys (NM_001375343.1); c.1372C>T, p.Arg458Cys (NM_001375344.1); c.1243C>T, p.Arg415Cys (NM_001375345.1); c.1267C>T, p.Arg423Cys (NM_001375346.1); c.1246C>T, p.Arg416Cys (NM_001375347.1); c.889C>T, p.Arg297Cys (NM_001375348.1); c.1024C>T, p.Arg342Cys (NM_001375349.1); c.913C>T, p.Arg305Cys (NM_001375350.1); and 6 more; short protein forms R415C, R416C, R445C, R458C, R305C, R444C, R297C, R423C.
Identifiers: ClinVar variation 1376592 (VCV001376592.8), dbSNP rs1561662358, ClinGen allele CA362183853.